The following is an entry in ClinVar:

ClinVar aggregate classification (germline): Uncertain significance (1 of 4 stars; one submission).

Submission:

Labcorp Genetics (formerly Invitae), Labcorp
Classification: Uncertain significance. Last evaluated: 2024-06-17. Review status: criteria provided, single submitter. Criteria: Invitae Variant Classification Sherloc (09022015). Collection method: clinical testing. Allele origin: germline.
Comment: This sequence change replaces serine, which is neutral and polar, with asparagine, which is neutral and polar, at codon 107 of the COMP protein (p.Ser107Asn). This variant is not present in population databases (gnomAD no frequency). This variant has not been reported in the literature in individuals affected with COMP-related conditions. ClinVar contains an entry for this variant (Variation ID: 1037741). Advanced modeling of protein sequence and biophysical properties (such as structural, functional, and spatial information, amino acid conservation, physicochemical variation, residue mobility, and thermodynamic stability) performed at Invitae indicates that this missense variant is not expected to disrupt COMP protein function with a negative predictive value of 80%. In summary, the available evidence is currently insufficient to determine the role of this variant in disease. Therefore, it has been classified as a Variant of Uncertain Significance.

NM_000095.3(COMP):c.320G>A (p.Ser107Asn)

Gene: COMP (cartilage oligomeric matrix protein; minus strand). Cytogenetic location: 19p13.11.
Variant type: single nucleotide variant.
Coding change: c.320G>A on transcript NM_000095.3 (MANE Select); coding-DNA position 320, G replaced by A.
Protein change: p.Ser107Asn; replaces serine 107 with asparagine.
Molecular consequence: missense variant.
Genome position (GRCh38, 1-based): chr19:18,790,012, C>T on the plus strand (G>A on the coding strand, the complement: COMP is on the minus strand). VCF-style: chr19-18790012-C-T. GRCh37 (hg19) VCF-style: chr19-18900821-C-T.
Other names: short protein forms S107N.
Identifiers: ClinVar variation 1037741 (VCV001037741.6), dbSNP rs1214275425, ClinGen allele CA404898503.